The following is an entry in ClinVar:

NM_001163435.3(TBCK):c.351G>A (p.Leu117=)

Gene: TBCK (TBC1 domain containing kinase; minus strand). Cytogenetic location: 4q24.
Variant type: single nucleotide variant.
Coding change: c.351G>A on transcript NM_001163435.3 (MANE Select); coding-DNA position 351, G replaced by A.
Protein change: p.Leu117=; no amino-acid change (leucine 117 retained).
Molecular consequence: synonymous variant. On other transcripts: 5 prime UTR variant (1), intron variant (1).
Genome position (GRCh38, 1-based): chr4:106,262,128, C>T on the plus strand (G>A on the coding strand, the complement: TBCK is on the minus strand). VCF-style: chr4-106262128-C-T. GRCh37 (hg19) VCF-style: chr4-107183285-C-T.
Other names: c.351G>A, p.Leu117= (NM_001163436.4, NM_001163437.3); c.-267G>A (NM_001290768.2); c.267-10121G>A (NM_033115.5); c.351G>A (NM_001163435.2).
Identifiers: ClinVar variation 1598179 (VCV001598179.10), dbSNP rs1188909320, ClinGen allele CA440690683.
Genomic context (GRCh38, chr4:106,262,128, plus strand): 5'-TAAATATTTATTACATGATTTAACAATTACCTTTCGGTCCAACAGGATATTATGAGGAGA[C>T]AATGCCCTGTGTACTATACCATGTTTGTTCATATACTGCAAGCCCTGAAGAACCTCAAAT-3'
Protein context (NP_001156907.2, residues 107-127): MNKHGIVHRA[Leu117=]SPHNILLDRK

ClinVar aggregate classification (germline): Likely benign. Review status: criteria provided, single submitter (1 of 4 stars). 2 submissions from 2 submitters: Likely benign (1). 1 of the submissions does not count toward it. Last evaluated 2025-11-07.

Conditions:
TBCK-related disorder. Also called: TBCK-related disorders; TBCK-related condition.

Allele frequency attached by ClinVar (database versions not stated): gnomAD exomes 0.00001 and 0.00003; gnomAD 0.00009; TOPMed 0.00014.
gnomAD v4.1: 30 of 1,543,514 alleles (0.0019%); highest among the groups gnomAD compares: African/African-American, 0.032%; no homozygotes.

Submissions (2):

Labcorp Genetics (formerly Invitae), Labcorp
Classification: Likely benign. Last evaluated: 2025-11-07. Review status: criteria provided, single submitter. Criteria: Invitae Variant Classification Sherloc (09022015). Collection method: clinical testing. Allele origin: germline.

PreventionGenetics, part of Exact Sciences
Classification: Likely benign for TBCK-related condition. Last evaluated: 2023-11-22. Review status: no assertion criteria provided. Collection method: clinical testing. Allele origin: germline. Not counted in ClinVar's aggregate classification.
Comment: This variant is classified as likely benign based on ACMG/AMP sequence variant interpretation guidelines (Richards et al. 2015 PMID: 25741868, with internal and published modifications).